The following is an entry in ClinVar:

ClinVar aggregate classification (germline): Pathogenic (1 of 4 stars; one submission).

Submission:

Athena Diagnostics
Classification: Pathogenic. Last evaluated: 2022-03-28. Review status: criteria provided, single submitter. Criteria: Athena Diagnostics Criteria. Collection method: clinical testing. Allele origin: unknown.
Comment: This variant has been identified in at least one individual with clinical features associated with this gene. This variant was not reported in large, multi-ethnic, general populations. This variant alters a critical location within the protein, and is expected to severely affect function and cause disease. Greater than 90% of pathogenic variants identified in NOTCH3 involve the gain or loss of a cysteine residue within the epidermal growth factor (EGF)-like repeat domain.

Literature cited by the submitters: PubMed 15364702.

NM_000435.3(NOTCH3):c.1451G>A (p.Cys484Tyr)

Gene: NOTCH3 (notch receptor 3; minus strand). Cytogenetic location: 19p13.12.
Variant type: single nucleotide variant.
Coding change: c.1451G>A on transcript NM_000435.3 (MANE Select); coding-DNA position 1451, G replaced by A.
Protein change: p.Cys484Tyr; replaces cysteine 484 with tyrosine.
Molecular consequence: missense variant.
Genome position (GRCh38, 1-based): chr19:15,188,276, C>T on the plus strand (G>A on the coding strand, the complement: NOTCH3 is on the minus strand). VCF-style: chr19-15188276-C-T. GRCh37 (hg19) VCF-style: chr19-15299087-C-T.
Other names: short protein forms C484Y.
Identifiers: ClinVar variation 585594 (VCV000585594.3), dbSNP rs1313319587, ClinGen allele CA404526884.